The following is an entry in ClinVar:

ClinVar aggregate classification (germline): Uncertain significance. Review status: criteria provided, multiple submitters, no conflicts (2 of 4 stars). 5 submissions from 5 submitters: Uncertain significance (5). Last evaluated 2026-07-28.

Conditions:
Klippel-Feil anomaly-myopathy-facial dysmorphism syndrome. Also called: Klippel-feil syndrome 4, autosomal recessive, with nemaline myopathy and facial dysmorphism; Klippel-Feil syndrome 4, autosomal recessive, with myopathy and facial dysmorphism. Identifiers: Orphanet 447974, MedGen C4225285, MONDO:0014689, OMIM 616549.
Cardiomyopathy (CMYO). Also called: Cardiomyopathies. Identifiers: Orphanet 167848, MedGen C0878544, MONDO:0004994, HP:0001638. Inheritance: Various modes of inheritance.
MYO18B-related disorder. Also called: MYO18B-related condition.
Inborn genetic diseases. Identifiers: MedGen C0950123, MeSH D030342.

Allele frequency attached by ClinVar (database versions not stated): TOPMed 0.00004; gnomAD 0.00005 and 0.00006; gnomAD exomes 0.00005; ExAC 0.00007; ESP Exome Variant Server 0.00016.

Submissions (5):

PreventionGenetics, part of Exact Sciences
Classification: Uncertain significance for MYO18B-related condition. Last evaluated: 2026-07-28. Review status: criteria provided, single submitter. Criteria: ACMG Guidelines, 2015. Collection method: clinical testing. Allele origin: germline.
Comment: The MYO18B c.5509C>A variant is predicted to result in the amino acid substitution p.His1837Asn. To our knowledge, this variant has not been reported in the literature. This variant is reported in 0.0090% of alleles in individuals of Latino descent in gnomAD. At this time, the clinical significance of this variant is uncertain due to the absence of conclusive functional and genetic evidence.

Petrovsky National Research Centre of Surgery, The Federal Agency for Scientific Organizations
Classification: Uncertain significance for Cardiomyopathy. Last evaluated: 2025-11-18. Review status: criteria provided, single submitter. Criteria: ACMG Guidelines, 2015. Collection method: clinical testing. Allele origin: germline. Affected: yes. Observed: 1 variant allele.
Comment: The variant is present in population databases (gnomAD v2.1.1) with a total MAF of 0.00005389. In accordance with ACMG (2015) criteria, this variant is classified as Variant of Uncertain Significance (Class III) with the following criteria applied: PM2_moderate, BP1_supporting.

Revvity Omics, Revvity
Classification: Uncertain significance for Klippel-Feil anomaly-myopathy-facial dysmorphism syndrome. Last evaluated: 2025-06-19. Review status: criteria provided, single submitter. Criteria: ACMG Guidelines, 2015. Collection method: clinical testing. Allele origin: germline.

Labcorp Genetics (formerly Invitae), Labcorp
Classification: Uncertain significance. Last evaluated: 2022-10-05. Review status: criteria provided, single submitter. Criteria: Invitae Variant Classification Sherloc (09022015). Collection method: clinical testing. Allele origin: germline.
Comment: This sequence change replaces histidine, which is basic and polar, with asparagine, which is neutral and polar, at codon 1837 of the MYO18B protein (p.His1837Asn). This variant is present in population databases (rs199743824, gnomAD 0.009%). This variant has not been reported in the literature in individuals affected with MYO18B-related conditions. ClinVar contains an entry for this variant (Variation ID: 1446089). Algorithms developed to predict the effect of missense changes on protein structure and function are either unavailable or do not agree on the potential impact of this missense change (SIFT: "Not Available"; PolyPhen-2: "Possibly Damaging"; Align-GVGD: "Not Available"). In summary, the available evidence is currently insufficient to determine the role of this variant in disease. Therefore, it has been classified as a Variant of Uncertain Significance.

Ambry Genetics
Classification: Uncertain significance for Inborn genetic diseases. Last evaluated: 2021-06-11. Review status: criteria provided, single submitter. Criteria: Ambry Variant Classification Scheme 2023. Collection method: clinical testing. Allele origin: germline.

NM_032608.7(MYO18B):c.5509C>A (p.His1837Asn)

Gene: MYO18B (myosin XVIIIB; plus strand). Cytogenetic location: 22q12.1.
Variant type: single nucleotide variant.
Coding change: c.5509C>A on transcript NM_032608.7 (MANE Select); coding-DNA position 5509, C replaced by A.
Protein change: p.His1837Asn; replaces histidine 1837 with asparagine.
Molecular consequence: missense variant.
Genome position (GRCh38, 1-based): chr22:25,921,401, C>A. VCF-style: chr22-25921401-C-A. GRCh37 (hg19) VCF-style: chr22-26317368-C-A.
Other names: c.5512C>A, p.His1838Asn (NM_001318245.2); c.5509C>A (NM_032608.5, NM_032608.6); short protein forms H1838N, H1837N.
Identifiers: ClinVar variation 1446089 (VCV001446089.7), dbSNP rs199743824, ClinGen allele CA10161178.